The following is an entry in ClinVar:

ClinVar aggregate classification (germline): Benign (0 of 4 stars; one submission).

Conditions:
MUC16-related disorder. Also called: MUC16-related condition.

Allele frequency attached by ClinVar (database versions not stated): ExAC 0.71504; ESP Exome Variant Server 0.73086; 1000 Genomes Project 30x 0.65022; 1000 Genomes Project 0.65276; TOPMed 0.69473; gnomAD 0.70776.

Submission:

PreventionGenetics, part of Exact Sciences
Classification: Benign for MUC16-related condition. Last evaluated: 2019-10-17. Review status: no assertion criteria provided. Collection method: clinical testing. Allele origin: germline.
Comment: This variant is classified as benign based on ACMG/AMP sequence variant interpretation guidelines (Richards et al. 2015 PMID: 25741868, with internal and published modifications).

NM_001401501.2(MUC16):c.37727G>C (p.Ser12576Thr)

Gene: MUC16 (mucin 16, cell surface associated; minus strand). Cytogenetic location: 19p13.2.
Variant type: single nucleotide variant.
Coding change: c.37727G>C on transcript NM_001401501.2 (MANE Select); coding-DNA position 37727, G replaced by C.
Protein change: p.Ser12576Thr; replaces serine 12576 with threonine.
Molecular consequence: missense variant.
Genome position (GRCh38, 1-based): chr19:8,908,929, C>G on the plus strand (G>C on the coding strand, the complement: MUC16 is on the minus strand). VCF-style: chr19-8908929-C-G. GRCh37 (hg19) VCF-style: chr19-9019605-C-G.
Other names: c.38153G>C, p.Ser12718Thr (NM_001414686.1); c.37607G>C, p.Ser12536Thr (NM_001414687.1); c.37541G>C, p.Ser12514Thr (NM_024690.2); short protein forms S12514T, S12536T, S12576T, S12718T.
Identifiers: ClinVar variation 3060420 (VCV003060420.2), dbSNP rs12981679, ClinGen allele CA9165097.
Genomic context (GRCh38, chr19:8,908,929, plus strand): 5'-TCCTGCTCCACTTAATGTAGGATCAGGGGCATGTGGACATGAGTTGAATACTCACTGCTG[C>G]TGGTGGGCACAGAGGTCCGATGGGTGAAACCTGCATAGAGAAGGAGGGAGGAGACTTGGT-3'
Protein context (NP_001388430.1, residues 12566-12586): GFTHRTSVPT[Ser12576Thr]STPGTSTVDL